The following is an entry in ClinVar:

ClinVar aggregate classification (germline): Uncertain significance (1 of 4 stars; one submission).

Conditions:
Arrhythmogenic right ventricular dysplasia 10. Also called: Arrhythmogenic Right Ventricular Dysplasia/Cardiomyopathy10; Arrhythmogenic right ventricular dysplasia/cardiomyopathy, type 10; ARRHYTHMOGENIC RIGHT VENTRICULAR DYSPLASIA, FAMILIAL, 10. Identifiers: MedGen C1857777, MONDO:0012434, OMIM 610193.

Submission:

Labcorp Genetics (formerly Invitae), Labcorp
Classification: Uncertain significance for Arrhythmogenic right ventricular dysplasia 10. Last evaluated: 2024-09-23. Review status: criteria provided, single submitter. Criteria: Invitae Variant Classification Sherloc (09022015). Collection method: clinical testing. Allele origin: germline.
Comment: This sequence change replaces tyrosine, which is neutral and polar, with cysteine, which is neutral and slightly polar, at codon 968 of the DSG2 protein (p.Tyr968Cys). This variant is not present in population databases (gnomAD no frequency). This variant has not been reported in the literature in individuals affected with DSG2-related conditions. Invitae Evidence Modeling of protein sequence and biophysical properties (such as structural, functional, and spatial information, amino acid conservation, physicochemical variation, residue mobility, and thermodynamic stability) indicates that this missense variant is not expected to disrupt DSG2 protein function with a negative predictive value of 95%. In summary, the available evidence is currently insufficient to determine the role of this variant in disease. Therefore, it has been classified as a Variant of Uncertain Significance.

NM_001943.5(DSG2):c.2903A>G (p.Tyr968Cys)

Genes: DSG2 (desmoglein 2; plus strand), DSG2-AS1 (DSG2 antisense RNA 1; minus strand). Cytogenetic location: 18q12.1.
Variant type: single nucleotide variant.
Coding change: c.2903A>G on transcript NM_001943.5 (MANE Select); coding-DNA position 2903, A replaced by G.
Protein change: p.Tyr968Cys; replaces tyrosine 968 with cysteine.
Molecular consequence: missense variant.
Genome position (GRCh38, 1-based): chr18:31,546,289, A>G. VCF-style: chr18-31546289-A-G. GRCh37 (hg19) VCF-style: chr18-29126252-A-G.
Other names: short protein forms Y968C.
Identifiers: ClinVar variation 3637554 (VCV003637554.2).